The following is an entry in ClinVar:

ClinVar aggregate classification (germline): Uncertain significance. Review status: criteria provided, multiple submitters, no conflicts (2 of 4 stars). 2 submissions from 2 submitters: Uncertain significance (2). Last evaluated 2024-06-03.

Conditions:
Hypogonadotropic hypogonadism 3 with or without anosmia (HH3). Also called: HYPOGONADOTROPIC HYPOGONADISM 3 WITH ANOSMIA; PROKR2-Related GnRH Deficiency (Kallmann Syndrome 3). Identifiers: Orphanet 478, MedGen C3550478, MONDO:0009482, OMIM 244200.

Allele frequency attached by ClinVar (database versions not stated): ExAC 0.00001; gnomAD 0.00001.

Submissions (2):

Labcorp Genetics (formerly Invitae), Labcorp
Classification: Uncertain significance. Last evaluated: 2024-06-03. Review status: criteria provided, single submitter. Criteria: Invitae Variant Classification Sherloc (09022015). Collection method: clinical testing. Allele origin: germline.
Comment: This sequence change creates a premature translational stop signal (p.Trp352*) in the PROKR2 gene. While this is not anticipated to result in nonsense mediated decay, it is expected to disrupt the last 33 amino acid(s) of the PROKR2 protein. This variant is present in population databases (rs745562390, gnomAD 0.009%). This variant has not been reported in the literature in individuals affected with PROKR2-related conditions. Experimental studies and prediction algorithms are not available or were not evaluated, and the functional significance of this variant is currently unknown. In summary, the available evidence is currently insufficient to determine the role of this variant in disease. Therefore, it has been classified as a Variant of Uncertain Significance.

Fulgent Genetics
Classification: Uncertain significance for Hypogonadotropic hypogonadism 3 with or without anosmia. Last evaluated: 2024-04-23. Review status: criteria provided, single submitter. Criteria: ACMG Guidelines, 2015. Collection method: clinical testing. Allele origin: germline.

NM_144773.4(PROKR2):c.1056G>A (p.Trp352Ter)

Gene: PROKR2 (prokineticin receptor 2; minus strand). Cytogenetic location: 20p12.3.
Variant type: single nucleotide variant.
Coding change: c.1056G>A on transcript NM_144773.4 (MANE Select); coding-DNA position 1056, G replaced by A.
Protein change: p.Trp352Ter; replaces tryptophan 352 with a stop codon.
Molecular consequence: nonsense.
Genome position (GRCh38, 1-based): chr20:5,302,139, C>T on the plus strand (G>A on the coding strand, the complement: PROKR2 is on the minus strand). VCF-style: chr20-5302139-C-T. GRCh37 (hg19) VCF-style: chr20-5282785-C-T.
Other names: short protein forms W352*.
Identifiers: ClinVar variation 2886479 (VCV002886479.4), dbSNP rs745562390, ClinGen allele CA9754213.
Genomic context (GRCh38, chr20:5,302,139, plus strand): 5'-CACCCCGTTGGTTCTGAGGTCAAGGTCAGCACTGGACTTGCTCCCCCGCTGGGAGGGACG[C>T]CAGTGCAGCAGCATCATCTTCTTGAAGTACTTCATGGTGTTGTTCTTGACCGTCACGAAG-3'